The following is an entry in ClinVar:

ClinVar aggregate classification (germline): Likely benign. Review status: criteria provided, multiple submitters, no conflicts (2 of 4 stars). 2 submissions from 2 submitters: Likely benign (2). Last evaluated 2026-05-12.

Conditions:
CYFIP2-related disorder. Also called: CYFIP2-related condition.

Allele frequency attached by ClinVar (database versions not stated): gnomAD exomes 0.00001 and 0.00003; gnomAD 0.00004; TOPMed 0.00006; ExAC 0.00008.
gnomAD v4.1: 21 of 1,606,324 alleles (0.0013%); highest among the groups gnomAD compares: Admixed American, 0.01%; no homozygotes.

Submissions (2):

PreventionGenetics, part of Exact Sciences
Classification: Likely benign for CYFIP2-related condition. Last evaluated: 2026-05-12. Review status: criteria provided, single submitter. Criteria: ACMG Guidelines, 2015. Collection method: clinical testing. Allele origin: germline.
Comment: This variant is classified as likely benign based on ACMG/AMP sequence variant interpretation guidelines (Richards et al. 2015 PMID: 25741868, with internal and published modifications).

Labcorp Genetics (formerly Invitae), Labcorp
Classification: Likely benign. Last evaluated: 2025-01-25. Review status: criteria provided, single submitter. Criteria: Invitae Variant Classification Sherloc (09022015). Collection method: clinical testing. Allele origin: germline.

NM_001037333.3(CYFIP2):c.999G>A (p.Thr333=)

Gene: CYFIP2 (cytoplasmic FMR1 interacting protein 2; plus strand). Cytogenetic location: 5q33.3.
Variant type: single nucleotide variant.
Coding change: c.999G>A on transcript NM_001037333.3 (MANE Select); coding-DNA position 999, G replaced by A.
Protein change: p.Thr333=; no amino-acid change (threonine 333 retained).
Molecular consequence: synonymous variant.
Genome position (GRCh38, 1-based): chr5:157,311,670, G>A. VCF-style: chr5-157311670-G-A. GRCh37 (hg19) VCF-style: chr5-156738678-G-A.
Other names: c.999G>A (NM_001291722.1); c.921G>A, p.Thr307= (NM_001291721.2); c.999G>A, p.Thr333= (NM_001291722.2, NM_014376.4).
Identifiers: ClinVar variation 1643266 (VCV001643266.9), dbSNP rs745838142, ClinGen allele CA3533518.